The following is an entry in ClinVar:

NM_001201543.2(FAM161A):c.1642C>T (p.Gln548Ter)

Gene: FAM161A (FAM161 centrosomal protein A; minus strand). Cytogenetic location: 2p15.
Variant type: single nucleotide variant.
Coding change: c.1642C>T on transcript NM_001201543.2 (MANE Select); coding-DNA position 1642, C replaced by T.
Protein change: p.Gln548Ter; replaces glutamine 548 with a stop codon.
Molecular consequence: nonsense. On other transcripts: intron variant (1).
Genome position (GRCh38, 1-based): chr2:61,838,647, G>A on the plus strand (C>T on the coding strand, the complement: FAM161A is on the minus strand). VCF-style: chr2-61838647-G-A. GRCh37 (hg19) VCF-style: chr2-62065782-G-A.
Other names: c.1642C>T (NM_001201543.1); c.1583+774C>T (NM_032180.3); short protein forms Q548*.
Identifiers: ClinVar variation 2098171 (VCV002098171.5), dbSNP rs777004968, ClinGen allele CA346986086.

ClinVar aggregate classification (germline): Pathogenic/Likely pathogenic. Review status: criteria provided, multiple submitters, no conflicts (2 of 4 stars). 2 submissions from 2 submitters: Pathogenic (1); Likely pathogenic (1). Last evaluated 2023-12-10.

Conditions:
Retinitis pigmentosa 28 (RP28). Identifiers: Orphanet 791, MedGen C1419614, MONDO:0011630, OMIM 606068.

Submissions (2):

Baylor Genetics
Classification: Likely pathogenic for Retinitis pigmentosa 28. Last evaluated: 2023-12-10. Review status: criteria provided, single submitter. Criteria: ACMG Guidelines, 2015. Collection method: clinical testing. Allele origin: unknown.

Labcorp Genetics (formerly Invitae), Labcorp
Classification: Pathogenic. Last evaluated: 2022-09-02. Review status: criteria provided, single submitter. Criteria: Invitae Variant Classification Sherloc (09022015). Collection method: clinical testing. Allele origin: germline.
Comment: For these reasons, this variant has been classified as Pathogenic. Algorithms developed to predict the effect of sequence changes on RNA splicing suggest that this variant may disrupt the consensus splice site. This premature translational stop signal has been observed in individual(s) with retinitis pigmentosa (PMID: 33598457). This variant is not present in population databases (gnomAD no frequency). This sequence change creates a premature translational stop signal (p.Gln548*) in the FAM161A gene. It is expected to result in an absent or disrupted protein product. Loss-of-function variants in FAM161A are known to be pathogenic (PMID: 20705278, 20705279, 24651477).

Literature cited by the submitters: PubMed 33598457 (cited by Labcorp Genetics (formerly Invitae), Labcorp); PubMed 20705278 (cited by Labcorp Genetics (formerly Invitae), Labcorp); PubMed 20705279 (cited by Labcorp Genetics (formerly Invitae), Labcorp); PubMed 24651477 (cited by Labcorp Genetics (formerly Invitae), Labcorp).